The following is an entry in ClinVar:

NM_000059.4(BRCA2):c.2402_2412del (p.Asn801fs)

Gene: BRCA2 (BRCA2 DNA repair associated; plus strand). Cytogenetic location: 13q13.1.
Variant type: Deletion.
Coding change: c.2402_2412del on transcript NM_000059.4 (MANE Select); coding-DNA positions 2402 to 2412, 11 bases deleted (ACAATTATGAA).
Protein change: p.Asn801fs; shifts the reading frame from asparagine 801.
Molecular consequence: frameshift variant.
Genome position (GRCh38, 1-based): chr13:32,336,757-32,336,767, ACAATTATGAA deleted; deleting any 11 consecutive bases within chr13:32,336,756-32,336,767 gives the same sequence; the c. name uses the placement nearest the transcript's 3' end. VCF-style (leftmost placement, unchanged base first): chr13-32336755-TAACAATTATGA-T. GRCh37 (hg19) VCF-style: chr13-32910892-TAACAATTATGA-T.
Other names: 2630del11; c.2402_2412del11 (NM_000059.3).
Identifiers: ClinVar variation 51276 (VCV000051276.12), dbSNP rs397507625, ClinGen allele CA015136.

ClinVar aggregate classification (germline): Pathogenic. Review status: reviewed by expert panel (3 of 4 stars). 4 submissions from 4 submitters: Pathogenic (1). 3 of the submissions do not count toward it. Last evaluated 2016-10-18.

Conditions:
Hereditary breast ovarian cancer syndrome. Also called: Hereditary breast and ovarian cancer syndrome; Hereditary breast and ovarian cancer; Hereditary breast and ovarian cancer syndrome (HBOC); Breast and ovarian cancer; Hereditary breast and/or ovarian cancer syndrome; BRCA1- and BRCA2-Associated Hereditary Breast and Ovarian Cancer. Identifiers: Orphanet 145, MedGen C0677776, MeSH D061325, MONDO:0003582. Disease mechanism: loss of function.
Breast-ovarian cancer, familial, susceptibility to, 2 (BROVCA2). Also called: BRCA2 Hereditary Breast and Ovarian Cancer. Identifiers: Orphanet 145, MedGen C2675520, MONDO:0012933, OMIM 612555. Disease mechanism: loss of function.
Hereditary cancer-predisposing syndrome. Also called: Neoplastic Syndromes, Hereditary; Tumor predisposition; Hereditary Cancer Syndrome; Hereditary neoplastic syndrome. Identifiers: Orphanet 140162, MedGen C0027672, MeSH D009386, MONDO:0015356.

Submissions (4):

Evidence-based Network for the Interpretation of Germline Mutant Alleles (ENIGMA)
Classification: Pathogenic for Breast-ovarian cancer, familial, susceptibility to, 2. Last evaluated: 2016-10-18. Review status: reviewed by expert panel. Criteria: ENIGMA BRCA1/2 Classification Criteria (2015). Collection method: curation. Allele origin: germline.
Comment: Variant allele predicted to encode a truncated non-functional protein.

Labcorp Genetics (formerly Invitae), Labcorp
Classification: Pathogenic for Hereditary breast ovarian cancer syndrome. Last evaluated: 2025-12-17. Review status: criteria provided, single submitter. Criteria: Invitae Variant Classification Sherloc (09022015). Collection method: clinical testing. Allele origin: germline. Not counted in ClinVar's aggregate classification.
Comment: This sequence change creates a premature translational stop signal (p.Asn801Ilefs*2) in the BRCA2 gene. It is expected to result in an absent or disrupted protein product. Loss-of-function variants in BRCA2 are known to be pathogenic (PMID: 20104584). This variant is not present in population databases (gnomAD no frequency). This premature translational stop signal has been observed in individual(s) with breast cancer (PMID: 22034289, 29446198). This variant is also known as 2630del11. ClinVar contains an entry for this variant (Variation ID: 51276). For these reasons, this variant has been classified as Pathogenic.

Ambry Genetics
Classification: Pathogenic for Hereditary cancer-predisposing syndrome. Last evaluated: 2025-06-11. Review status: criteria provided, single submitter. Criteria: Ambry Variant Classification Scheme 2023. Collection method: clinical testing. Allele origin: germline. Not counted in ClinVar's aggregate classification.
Comment: The c.2402_2412del11 pathogenic mutation, located in coding exon 10 of the BRCA2 gene, results from a deletion of 11 nucleotides at nucleotide positions 2402 to 2412, causing a translational frameshift with a predicted alternate stop codon (p.N801Ifs*2). This variant is considered to be rare based on population cohorts in the Genome Aggregation Database (gnomAD). This alteration is expected to result in loss of function by premature protein truncation or nonsense-mediated mRNA decay. As such, this alteration is interpreted as a disease-causing mutation.

Consortium of Investigators of Modifiers of BRCA1/2 (CIMBA), c/o University of Cambridge
Classification: Pathogenic for Breast-ovarian cancer, familial, susceptibility to, 2. Last evaluated: 2015-10-02. Review status: criteria provided, single submitter. Criteria: CIMBA Mutation Classification guidelines May 2016. Collection method: clinical testing. Allele origin: germline. Not counted in ClinVar's aggregate classification.

Literature cited by the submitters: PubMed 20104584 (cited by Labcorp Genetics (formerly Invitae), Labcorp); PubMed 22034289 (cited by Labcorp Genetics (formerly Invitae), Labcorp); PubMed 29446198 (cited by Labcorp Genetics (formerly Invitae), Labcorp).